The following is an entry in ClinVar:

ClinVar aggregate classification (germline): Likely benign. Review status: criteria provided, single submitter (1 of 4 stars). 2 submissions from 2 submitters: Likely benign (1). 1 of the submissions does not count toward it. Last evaluated 2024-10-30.

Conditions:
UBTF-related disorder. Also called: UBTF-related condition.

Allele frequency attached by ClinVar (database versions not stated): gnomAD exomes below 0.00001; ExAC 0.00001; TOPMed 0.00002; gnomAD 0.00003; ESP Exome Variant Server 0.00015.

Submissions (2):

Blueprint Genetics
Classification: Likely benign. Last evaluated: 2024-10-30. Review status: criteria provided, single submitter. Criteria: ACMG Guidelines, 2015. Collection method: clinical testing. Allele origin: germline.

PreventionGenetics, part of Exact Sciences
Classification: Likely benign for UBTF-related condition. Last evaluated: 2019-07-10. Review status: no assertion criteria provided. Collection method: clinical testing. Allele origin: germline. Not counted in ClinVar's aggregate classification.
Comment: This variant is classified as likely benign based on ACMG/AMP sequence variant interpretation guidelines (Richards et al. 2015 PMID: 25741868, with internal and published modifications).

NM_014233.4(UBTF):c.1515+9G>A

Genes: ATXN7L3-AS1 (ATXN7L3 antisense RNA 1; plus strand), UBTF (upstream binding transcription factor; minus strand). Cytogenetic location: 17q21.31.
Variant type: single nucleotide variant.
Coding change: c.1515+9G>A on transcript NM_014233.4 (MANE Select); 9 bases into the intron after coding-DNA position 1515, G replaced by A.
Molecular consequence: intron variant.
Genome position (GRCh38, 1-based): chr17:44,210,309, C>T on the plus strand (G>A on the coding strand, the complement: UBTF is on the minus strand). VCF-style: chr17-44210309-C-T. GRCh37 (hg19) VCF-style: chr17-42287677-C-T.
Other names: c.1404+9G>A (NM_001076683.2, NM_001076684.3).
Identifiers: ClinVar variation 3033901 (VCV003033901.3), dbSNP rs369730893, ClinGen allele CA8599462.